The following is an entry in ClinVar:

ClinVar aggregate classification (germline): Uncertain significance (1 of 4 stars; one submission).

Conditions:
Brugada syndrome. Also called: Sudden unexpected nocturnal death syndrome; Sudden Unexplained Death Syndrome; Sudden Unexplained Nocturnal Death Syndrome (SUNDS); Sudden unexplained nocturnal death syndrome. Identifiers: Orphanet 130, MedGen C1142166, MONDO:0015263.

gnomAD v4.1: 2 of 1,613,860 alleles (0.00012%); highest among the groups gnomAD compares: South Asian, 0.0022%; no homozygotes.

Submission:

Labcorp Genetics (formerly Invitae), Labcorp
Classification: Uncertain significance for Brugada syndrome. Last evaluated: 2025-12-02. Review status: criteria provided, single submitter. Criteria: Invitae Variant Classification Sherloc (09022015). Collection method: clinical testing. Allele origin: germline.
Comment: This sequence change replaces proline, which is neutral and non-polar, with serine, which is neutral and polar, at codon 115 of the SCN10A protein (p.Pro115Ser). This variant is not present in population databases (gnomAD no frequency). This variant has not been reported in the literature in individuals affected with SCN10A-related conditions. Invitae Evidence Modeling of protein sequence and biophysical properties (such as structural, functional, and spatial information, amino acid conservation, physicochemical variation, residue mobility, and thermodynamic stability) indicates that this missense variant is not expected to disrupt SCN10A protein function with a negative predictive value of 80%. In summary, the available evidence is currently insufficient to determine the role of this variant in disease. Therefore, it has been classified as a Variant of Uncertain Significance.

NM_006514.4(SCN10A):c.343C>T (p.Pro115Ser)

Gene: SCN10A (sodium voltage-gated channel alpha subunit 10; minus strand). Cytogenetic location: 3p22.2.
Variant type: single nucleotide variant.
Coding change: c.343C>T on transcript NM_006514.4 (MANE Select); coding-DNA position 343, C replaced by T.
Protein change: p.Pro115Ser; replaces proline 115 with serine.
Molecular consequence: missense variant.
Genome position (GRCh38, 1-based): chr3:38,792,096, G>A on the plus strand (C>T on the coding strand, the complement: SCN10A is on the minus strand). VCF-style: chr3-38792096-G-A. GRCh37 (hg19) VCF-style: chr3-38833587-G-A.
Other names: c.343C>T, p.Pro115Ser (NM_001293306.2, NM_001293307.2); short protein forms P115S.
Identifiers: ClinVar variation 4699166 (VCV004699166.1).